The following is an entry in ClinVar:

ClinVar aggregate classification (germline): Likely benign. Review status: criteria provided, multiple submitters, no conflicts (2 of 4 stars). 4 submissions from 4 submitters: Likely benign (4). Last evaluated 2026-08-01.

Conditions:
PLEC-related disorder. Also called: PLEC-related condition; PLEC-related disorders.
Epidermolysis bullosa simplex, Ogna type (EBS5A). Also called: Pidermolysis bullosa simplex 5A, Ogna type; EPIDERMOLYSIS BULLOSA SIMPLEX 5A, OGNA TYPE. Identifiers: Orphanet 79401, MedGen C0432317, MONDO:0007555, OMIM 131950.
Autosomal recessive limb-girdle muscular dystrophy type 2Q (LGMDR17). Also called: MUSCULAR DYSTROPHY, LIMB-GIRDLE, AUTOSOMAL RECESSIVE 17. Identifiers: Orphanet 254361, MedGen C3150989, MONDO:0013390, OMIM 613723.
Epidermolysis bullosa simplex 5C, with pyloric atresia (EBS5C). Also called: PLEC1-Related Epidermolysis Bullosa with Pyloric Atresia; PLEC-Related Epidermolysis Bullosa with Pyloric Atresia; Epidermolysis bullosa simplex with pyloric atresia. Identifiers: Orphanet 158684, MedGen C2677349, MONDO:0012807, OMIM 612138.
Epidermolysis bullosa simplex 5B, with muscular dystrophy (EBS5B). Also called: EPIDERMOLYSIS BULLOSA SIMPLEX AND LIMB-GIRDLE MUSCULAR DYSTROPHY; Epidermolysis bullosa simplex with muscular dystrophy. Identifiers: Orphanet 257, MedGen C2931072, MONDO:0009181, OMIM 226670.
Epidermolysis bullosa simplex with nail dystrophy (EBS5D). Identifiers: MedGen C4225309, MONDO:0014661, OMIM 616487.

Allele frequency attached by ClinVar (database versions not stated): gnomAD 0.00002; TOPMed 0.00002; gnomAD exomes 0.00003; ExAC 0.00005.

Submissions (4):

CeGaT Center for Human Genetics Tuebingen
Classification: Likely benign. Last evaluated: 2026-08-01. Review status: criteria provided, single submitter. Criteria: CeGaT Center For Human Genetics Tuebingen Variant Classification Criteria Version 2. Collection method: clinical testing. Allele origin: germline. Affected: yes. Observed: 1 variant allele.
Comment: PLEC: BP4, BP7

PreventionGenetics, part of Exact Sciences
Classification: Likely benign for PLEC-related condition. Last evaluated: 2026-04-09. Review status: criteria provided, single submitter. Criteria: ACMG Guidelines, 2015. Collection method: clinical testing. Allele origin: germline.
Comment: This variant is classified as likely benign based on ACMG/AMP sequence variant interpretation guidelines (Richards et al. 2015 PMID: 25741868, with internal and published modifications).

Labcorp Genetics (formerly Invitae), Labcorp
Classification: Likely benign for Autosomal recessive limb-girdle muscular dystrophy type 2Q; Epidermolysis bullosa simplex, Ogna type; Epidermolysis bullosa simplex with nail dystrophy; Epidermolysis bullosa simplex 5C, with pyloric atresia; Epidermolysis bullosa simplex 5B, with muscular dystrophy. Last evaluated: 2025-09-15. Review status: criteria provided, single submitter. Criteria: Invitae Variant Classification Sherloc (09022015). Collection method: clinical testing. Allele origin: germline.

Athena Diagnostics
Classification: Likely benign. Last evaluated: 2019-04-26. Review status: criteria provided, single submitter. Criteria: Athena Diagnostics Criteria. Collection method: clinical testing. Allele origin: germline.

NM_201384.3(PLEC):c.4944G>A (p.Ala1648=)

Gene: PLEC (plectin; minus strand). Cytogenetic location: 8q24.3.
Variant type: single nucleotide variant.
Coding change: c.4944G>A on transcript NM_201384.3 (MANE Select); coding-DNA position 4944, G replaced by A.
Protein change: p.Ala1648=; no amino-acid change (alanine 1648 retained).
Molecular consequence: synonymous variant.
Genome position (GRCh38, 1-based): chr8:143,924,985, C>T on the plus strand (G>A on the coding strand, the complement: PLEC is on the minus strand). VCF-style: chr8-143924985-C-T. GRCh37 (hg19) VCF-style: chr8-144999153-C-T.
Other names: c.5025G>A (NM_000445.4); c.5025G>A, p.Ala1675= (NM_000445.5); c.4902G>A, p.Ala1634= (NM_201378.4); c.4878G>A, p.Ala1626= (NM_201379.3); c.5355G>A, p.Ala1785= (NM_201380.4); c.4848G>A, p.Ala1616= (NM_201381.3); c.4944G>A, p.Ala1648= (NM_201382.4); c.4956G>A, p.Ala1652= (NM_201383.3).
Identifiers: ClinVar variation 805214 (VCV000805214.11), dbSNP rs782665485, ClinGen allele CA4926492.